The following is an entry in ClinVar:

ClinVar aggregate classification (germline): Likely benign. Review status: criteria provided, multiple submitters, no conflicts (2 of 4 stars). 2 submissions from 2 submitters: Likely benign (2). Last evaluated 2026-05-06.

Conditions:
PCDH15-related disorder. Also called: PCDH15-related condition; PCDH15-related disorders.

Submissions (2):

PreventionGenetics, part of Exact Sciences
Classification: Likely benign for PCDH15-related condition. Last evaluated: 2026-05-06. Review status: criteria provided, single submitter. Criteria: ACMG Guidelines, 2015. Collection method: clinical testing. Allele origin: germline.
Comment: This variant is classified as likely benign based on ACMG/AMP sequence variant interpretation guidelines (Richards et al. 2015 PMID: 25741868, with internal and published modifications).

Labcorp Genetics (formerly Invitae), Labcorp
Classification: Likely benign. Last evaluated: 2025-01-12. Review status: criteria provided, single submitter. Criteria: Invitae Variant Classification Sherloc (09022015). Collection method: clinical testing. Allele origin: germline.

NM_001384140.1(PCDH15):c.877-4del

Gene: PCDH15 (protocadherin related 15; minus strand). Cytogenetic location: 10q21.1.
Variant type: Deletion.
Coding change: c.877-4del on transcript NM_001384140.1 (MANE Select); 4 bases into the intron before coding-DNA position 877, one base deleted (T; older notation c.877-4delT).
Molecular consequence: intron variant.
Genome position (GRCh38, 1-based): chr10:54,236,935, A deleted on the plus strand (T on the coding strand, the reverse complement: PCDH15 is on the minus strand); the first of 9 consecutive A bases (chr10:54,236,935-54,236,943); deleting any one gives the same sequence. VCF-style (leftmost placement, unchanged base first): chr10-54236934-GA-G. GRCh37 (hg19) VCF-style: chr10-55996694-GA-G.
Other names: c.877-4del (NM_001354420.2, NM_001354429.2, NM_001142772.2 and 7 more transcripts); c.892-4del (NM_001142771.2, NM_001142769.3, NM_001142763.2); c.811-4del (NM_001354404.2, NM_001142773.2, NM_001142768.2); c.766-4del (NM_001142767.2).
Identifiers: ClinVar variation 1104347 (VCV001104347.10), dbSNP rs200395027, ClinGen allele CA5506551.